The following is an entry in ClinVar:

ClinVar aggregate classification (germline): Pathogenic (1 of 4 stars; one submission).

Conditions:
Peroxisome biogenesis disorder 5A (Zellweger) (PBD5A). Identifiers: Orphanet 912, MedGen C3553940, MONDO:0013932, OMIM 614866.

Allele frequency attached by ClinVar (database versions not stated): gnomAD exomes below 0.00001; ExAC 0.00001.

Submission:

Labcorp Genetics (formerly Invitae), Labcorp
Classification: Pathogenic for Peroxisome biogenesis disorder 5A (Zellweger). Last evaluated: 2022-01-11. Review status: criteria provided, single submitter. Criteria: Invitae Variant Classification Sherloc (09022015). Collection method: clinical testing. Allele origin: germline.
Comment: For these reasons, this variant has been classified as Pathogenic. This variant disrupts a region of the PEX2 protein in which other variant(s) (p.Leu207Serfs*10) have been determined to be pathogenic (Invitae). This suggests that this is a clinically significant region of the protein, and that variants that disrupt it are likely to be disease-causing. This variant has not been reported in the literature in individuals affected with PEX2-related conditions. This variant is present in population databases (rs777974798, gnomAD 0.0009%). This sequence change creates a premature translational stop signal (p.Ala74Glyfs*11) in the PEX2 gene. While this is not anticipated to result in nonsense mediated decay, it is expected to disrupt the last 232 amino acid(s) of the PEX2 protein.

NM_000318.3(PEX2):c.220dup (p.Ala74fs)

Gene: PEX2 (peroxisomal biogenesis factor 2; minus strand). Cytogenetic location: 8q21.13.
Variant type: Duplication.
Coding change: c.220dup on transcript NM_000318.3 (MANE Select); coding-DNA position 220, one base duplicated (G; older notation c.220dupG).
Protein change: p.Ala74fs; shifts the reading frame from alanine 74.
Molecular consequence: frameshift variant.
Genome position (GRCh38, 1-based): chr8:76,983,959, C duplicated on the plus strand (G on the coding strand, the reverse complement: PEX2 is on the minus strand). VCF-style (leftmost placement, unchanged base first): chr8-76983958-G-GC. GRCh37 (hg19) VCF-style: chr8-77896194-G-GC.
Other names: c.220dup, p.Ala74fs (NM_001079867.2, NM_001172086.2, NM_001172087.2); short protein forms A74fs.
Identifiers: ClinVar variation 1442703 (VCV001442703.6), dbSNP rs777974798, ClinGen allele CA4788752.